The following is an entry in ClinVar:

NM_014141.6(CNTNAP2):c.2137G>A (p.Glu713Lys)

Gene: CNTNAP2 (contactin associated protein 2; plus strand). Cytogenetic location: 7q35.
Variant type: single nucleotide variant.
Coding change: c.2137G>A on transcript NM_014141.6 (MANE Select); coding-DNA position 2137, G replaced by A.
Protein change: p.Glu713Lys; replaces glutamic acid 713 with lysine.
Molecular consequence: missense variant.
Genome position (GRCh38, 1-based): chr7:147,903,603, G>A. VCF-style: chr7-147903603-G-A. GRCh37 (hg19) VCF-style: chr7-147600695-G-A.
Other names: short protein forms E713K.
Identifiers: ClinVar variation 536327 (VCV000536327.8), dbSNP rs201178948, ClinGen allele CA4546323.

ClinVar aggregate classification (germline): Uncertain significance. Review status: criteria provided, multiple submitters, no conflicts (2 of 4 stars). 3 submissions from 3 submitters: Uncertain significance (3). Last evaluated 2023-12-22.

Conditions:
Cortical dysplasia-focal epilepsy syndrome (PTHSL1). Also called: Pitt-Hopkins-like syndrome 1. Identifiers: Orphanet 163681, Orphanet 221150, MedGen C2750246, MONDO:0012400, OMIM 610042.
Inborn genetic diseases. Identifiers: MedGen C0950123, MeSH D030342.

Allele frequency attached by ClinVar (database versions not stated): gnomAD 0.00003; gnomAD exomes 0.00003 and 0.00007; TOPMed 0.00005; ExAC 0.00006; 1000 Genomes Project 0.00020; 1000 Genomes Project 30x 0.00031.
gnomAD v4.1: 48 of 1,614,174 alleles (0.003%); highest among the groups gnomAD compares: Middle Eastern, 0.016%; no homozygotes.

Submissions (3):

Ambry Genetics
Classification: Uncertain significance for Inborn genetic diseases. Last evaluated: 2023-12-22. Review status: criteria provided, single submitter. Criteria: Ambry Variant Classification Scheme 2023. Collection method: clinical testing. Allele origin: germline.

Labcorp Genetics (formerly Invitae), Labcorp
Classification: Uncertain significance for Cortical dysplasia-focal epilepsy syndrome. Last evaluated: 2022-11-01. Review status: criteria provided, single submitter. Criteria: Invitae Variant Classification Sherloc (09022015). Collection method: clinical testing. Allele origin: germline.
Comment: This sequence change replaces glutamic acid, which is acidic and polar, with lysine, which is basic and polar, at codon 713 of the CNTNAP2 protein (p.Glu713Lys). This variant is present in population databases (rs201178948, gnomAD 0.02%). This variant has not been reported in the literature in individuals affected with CNTNAP2-related conditions. ClinVar contains an entry for this variant (Variation ID: 536327). Algorithms developed to predict the effect of missense changes on protein structure and function are either unavailable or do not agree on the potential impact of this missense change (SIFT: "Deleterious"; PolyPhen-2: "Benign"; Align-GVGD: "Class C55"). In summary, the available evidence is currently insufficient to determine the role of this variant in disease. Therefore, it has been classified as a Variant of Uncertain Significance.

GeneDx
Classification: Uncertain significance. Last evaluated: 2022-08-09. Review status: criteria provided, single submitter. Criteria: GeneDx Variant Classification Process June 2021. Collection method: clinical testing. Allele origin: germline. Affected: yes.
Comment: In silico analysis supports that this missense variant has a deleterious effect on protein structure/function; Has not been previously published as pathogenic or benign to our knowledge